The following is an entry in ClinVar:

ClinVar aggregate classification (germline): Uncertain significance. Review status: criteria provided, multiple submitters, no conflicts (2 of 4 stars). 2 submissions from 2 submitters: Uncertain significance (2). Last evaluated 2025-04-14.

Conditions:
Inborn genetic diseases. Identifiers: MedGen C0950123, MeSH D030342.
Muscular dystrophy-dystroglycanopathy (congenital with brain and eye anomalies), type a, 8 (MDDGA8). Also called: WALKER-WARBURG SYNDROME OR MUSCLE-EYE-BRAIN DISEASE, GTDC2-RELATED. Identifiers: Orphanet 899, MedGen C3553813, MONDO:0013904, OMIM 614830.

Allele frequency attached by ClinVar (database versions not stated): gnomAD 0.00005; TOPMed 0.00007; ESP Exome Variant Server 0.00008; ExAC 0.00006; gnomAD exomes 0.00005.
gnomAD v4.1: 100 of 1,614,094 alleles (0.0062%); highest among the groups gnomAD compares: Middle Eastern, 0.016%; no homozygotes.

Submissions (2):

Ambry Genetics
Classification: Uncertain significance for Inborn genetic diseases. Last evaluated: 2025-04-14. Review status: criteria provided, single submitter. Criteria: Ambry Variant Classification Scheme 2023. Collection method: clinical testing. Allele origin: germline.

Labcorp Genetics (formerly Invitae), Labcorp
Classification: Uncertain significance for Muscular dystrophy-dystroglycanopathy (congenital with brain and eye anomalies), type a, 8. Last evaluated: 2022-06-25. Review status: criteria provided, single submitter. Criteria: Invitae Variant Classification Sherloc (09022015). Collection method: clinical testing. Allele origin: germline.
Comment: This sequence change replaces valine, which is neutral and non-polar, with methionine, which is neutral and non-polar, at codon 149 of the POMGNT2 protein (p.Val149Met). This variant is present in population databases (rs147163009, gnomAD 0.008%). This variant has not been reported in the literature in individuals affected with POMGNT2-related conditions. ClinVar contains an entry for this variant (Variation ID: 850542). Algorithms developed to predict the effect of missense changes on protein structure and function are either unavailable or do not agree on the potential impact of this missense change (SIFT: "Deleterious"; PolyPhen-2: "Possibly Damaging"; Align-GVGD: "Class C15"). In summary, the available evidence is currently insufficient to determine the role of this variant in disease. Therefore, it has been classified as a Variant of Uncertain Significance.

NM_032806.6(POMGNT2):c.445G>A (p.Val149Met)

Gene: POMGNT2 (protein O-linked mannose N-acetylglucosaminyltransferase 2 (beta 1,4-); minus strand). Cytogenetic location: 3p22.1.
Variant type: single nucleotide variant.
Coding change: c.445G>A on transcript NM_032806.6 (MANE Select); coding-DNA position 445, G replaced by A.
Protein change: p.Val149Met; replaces valine 149 with methionine.
Molecular consequence: missense variant.
Genome position (GRCh38, 1-based): chr3:43,080,987, C>T on the plus strand (G>A on the coding strand, the complement: POMGNT2 is on the minus strand). VCF-style: chr3-43080987-C-T. GRCh37 (hg19) VCF-style: chr3-43122479-C-T.
Other names: c.445G>A (NM_032806.4); short protein forms V149M.
Identifiers: ClinVar variation 850542 (VCV000850542.5), dbSNP rs147163009, ClinGen allele CA2340079.